The following is an entry in ClinVar:

ClinVar aggregate classification (germline): Benign/Likely benign. Review status: criteria provided, multiple submitters, no conflicts (2 of 4 stars). 5 submissions from 5 submitters: Benign (1); Likely benign (4). Last evaluated 2025-10-01.

Allele frequency attached by ClinVar (database versions not stated): 1000 Genomes Project 0.00020; TOPMed 0.00039; gnomAD exomes 0.00040; gnomAD 0.00044; ExAC 0.00045; 1000 Genomes Project 30x 0.00047; ESP Exome Variant Server 0.00054.
gnomAD v4.1: 1,009 of 1,614,156 alleles (0.063%); highest among the groups gnomAD compares: Non-Finnish European, 0.076%; 2 homozygotes.

Submissions (5):

CeGaT Center for Human Genetics Tuebingen
Classification: Likely benign. Last evaluated: 2025-10-01. Review status: criteria provided, single submitter. Criteria: CeGaT Center For Human Genetics Tuebingen Variant Classification Criteria Version 2. Collection method: clinical testing. Allele origin: germline. Affected: yes. Observed: 10 variant alleles.
Comment: TRIO: BP4, BP7

Blueprint Genetics
Classification: Likely benign. Last evaluated: 2024-10-17. Review status: criteria provided, single submitter. Criteria: ACMG Guidelines, 2015. Collection method: clinical testing. Allele origin: germline.

GeneDx
Classification: Benign. Last evaluated: 2019-10-02. Review status: criteria provided, single submitter. Criteria: GeneDx Variant Classification Process June 2021. Collection method: clinical testing. Allele origin: germline. Affected: yes.

Labcorp Genetics (formerly Invitae), Labcorp
Classification: Likely benign. Last evaluated: 2018-11-14. Review status: criteria provided, single submitter. Criteria: Invitae Variant Classification Sherloc (09022015). Collection method: clinical testing. Allele origin: germline.

Breakthrough Genomics
Classification: Likely benign. Review status: criteria provided, single submitter. Criteria: ACMG Guidelines, 2015. Collection method: not provided. Allele origin: germline. Inheritance: Autosomal dominant inheritance. Affected: yes.

NM_007118.4(TRIO):c.960G>A (p.Ser320=)

Gene: TRIO (trio Rho guanine nucleotide exchange factor; plus strand). Cytogenetic location: 5p15.2.
Variant type: single nucleotide variant.
Coding change: c.960G>A on transcript NM_007118.4 (MANE Select); coding-DNA position 960, G replaced by A.
Protein change: p.Ser320=; no amino-acid change (serine 320 retained).
Molecular consequence: synonymous variant. On other transcripts: non-coding transcript variant (1).
Genome position (GRCh38, 1-based): chr5:14,291,135, G>A. VCF-style: chr5-14291135-G-A. GRCh37 (hg19) VCF-style: chr5-14291244-G-A.
Identifiers: ClinVar variation 732721 (VCV000732721.31), dbSNP rs372630442, ClinGen allele CA3205521.